The following is an entry in ClinVar:

NM_144687.4(NLRP12):c.2073-3C>A

Gene: NLRP12 (NLR family pyrin domain containing 12; minus strand). Cytogenetic location: 19q13.42.
Variant type: single nucleotide variant.
Coding change: c.2073-3C>A on transcript NM_144687.4 (MANE Select); 3 bases into the intron before coding-DNA position 2073, C replaced by A.
Molecular consequence: intron variant. On other transcripts: synonymous variant (1).
Genome position (GRCh38, 1-based): chr19:53,807,668, G>T on the plus strand (C>A on the coding strand, the complement: NLRP12 is on the minus strand). VCF-style: chr19-53807668-G-T. GRCh37 (hg19) VCF-style: chr19-54310922-G-T.
Other names: c.2073C>A, p.Leu691= (NM_001277126.2); c.2073-3C>A (NM_001277129.1); c.2073C>A (NM_001277126.1).
Identifiers: ClinVar variation 751472 (VCV000751472.11), dbSNP rs756794505, ClinGen allele CA9639229.

ClinVar aggregate classification (germline): Likely benign. Review status: criteria provided, single submitter (1 of 4 stars). 2 submissions from 2 submitters: Likely benign (1). 1 of the submissions does not count toward it. Last evaluated 2025-10-23.

Conditions:
NLRP12-related disorder. Also called: NLRP12-related conditions; NLRP12-related condition.
Familial cold autoinflammatory syndrome 2 (FCAS2). Identifiers: Orphanet 247868, MedGen C2673198, MONDO:0012724, OMIM 611762.

Allele frequency attached by ClinVar (database versions not stated): gnomAD exomes 0.00002; gnomAD 0.00005; TOPMed 0.00005.
gnomAD v4.1: 39 of 1,613,998 alleles (0.0024%); highest among the groups gnomAD compares: East Asian, 0.087%; no homozygotes.

Submissions (2):

Labcorp Genetics (formerly Invitae), Labcorp
Classification: Likely benign for Familial cold autoinflammatory syndrome 2. Last evaluated: 2025-10-23. Review status: criteria provided, single submitter. Criteria: Invitae Variant Classification Sherloc (09022015). Collection method: clinical testing. Allele origin: germline.

PreventionGenetics, part of Exact Sciences
Classification: Likely benign for NLRP12-related condition. Last evaluated: 2020-08-11. Review status: no assertion criteria provided. Collection method: clinical testing. Allele origin: germline. Not counted in ClinVar's aggregate classification.
Comment: This variant is classified as likely benign based on ACMG/AMP sequence variant interpretation guidelines (Richards et al. 2015 PMID: 25741868, with internal and published modifications).